The following is an entry in ClinVar:

ClinVar aggregate classification (germline): Conflicting classifications of pathogenicity. Review status: criteria provided, conflicting classifications (1 of 4 stars). 4 submissions from 4 submitters: Uncertain significance (3); Likely benign (1). Last evaluated 2024-11-13.

Conditions:
Diaphanospondylodysostosis. Also called: VERTEBRAL OSSIFICATION, DEFECT IN, WITH NEPHROGENIC RESTS. Identifiers: Orphanet 66637, MedGen C1842691, MONDO:0011946, OMIM 608022.

Allele frequency attached by ClinVar (database versions not stated): TOPMed 0.00029; ESP Exome Variant Server 0.00038.
gnomAD v4.1: 476 of 1,614,152 alleles (0.029%); highest among the groups gnomAD compares: Middle Eastern, 0.96%; 9 homozygotes.

Submissions (4):

Blueprint Genetics
Classification: Likely benign. Last evaluated: 2024-11-13. Review status: criteria provided, single submitter. Criteria: ACMG Guidelines, 2015. Collection method: clinical testing. Allele origin: germline.

Labcorp Genetics (formerly Invitae), Labcorp
Classification: Uncertain significance. Last evaluated: 2024-01-25. Review status: criteria provided, single submitter. Criteria: Invitae Variant Classification Sherloc (09022015). Collection method: clinical testing. Allele origin: germline.
Comment: This sequence change replaces proline, which is neutral and non-polar, with leucine, which is neutral and non-polar, at codon 85 of the BMPER protein (p.Pro85Leu). This variant is present in population databases (rs142205105, gnomAD 0.04%), including at least one homozygous and/or hemizygous individual. This variant has not been reported in the literature in individuals affected with BMPER-related conditions. ClinVar contains an entry for this variant (Variation ID: 360098). An algorithm developed to predict the effect of missense changes on protein structure and function (PolyPhen-2) suggests that this variant¬†is likely to be tolerated. In summary, the available evidence is currently insufficient to determine the role of this variant in disease. Therefore, it has been classified as a Variant of Uncertain Significance.

Revvity Omics, Revvity
Classification: Uncertain significance for Diaphanospondylodysostosis. Last evaluated: 2023-01-24. Review status: criteria provided, single submitter. Criteria: ACMG Guidelines, 2015. Collection method: clinical testing. Allele origin: germline.

Illumina Laboratory Services, Illumina
Classification: Uncertain significance for Diaphanospondylodysostosis. Last evaluated: 2018-01-13. Review status: criteria provided, single submitter. Criteria: ICSL Variant Classification Criteria 13 December 2019. Collection method: clinical testing. Allele origin: germline.

NM_001365308.1(BMPER):c.254C>T (p.Pro85Leu)

Gene: BMPER (BMP binding endothelial regulator; plus strand). Cytogenetic location: 7p14.3.
Variant type: single nucleotide variant.
Coding change: c.254C>T on transcript NM_001365308.1 (MANE Select); coding-DNA position 254, C replaced by T.
Protein change: p.Pro85Leu; replaces proline 85 with leucine.
Molecular consequence: missense variant.
Genome position (GRCh38, 1-based): chr7:33,937,323, C>T. VCF-style: chr7-33937323-C-T. GRCh37 (hg19) VCF-style: chr7-33976935-C-T.
Other names: c.254C>T, p.Pro85Leu (NM_133468.5); short protein forms P85L.
Identifiers: ClinVar variation 360098 (VCV000360098.11), dbSNP rs142205105, ClinGen allele CA4214985.